The following is an entry in ClinVar:

NM_001267550.2(TTN):c.97795+6G>T

Genes: TTN (titin; minus strand), TTN-AS1 (TTN antisense RNA 1; plus strand). Cytogenetic location: 2q31.2.
Variant type: single nucleotide variant.
Coding change: c.97795+6G>T on transcript NM_001267550.2 (MANE Select); 6 bases into the intron after coding-DNA position 97795, G replaced by T.
Molecular consequence: intron variant.
Genome position (GRCh38, 1-based): chr2:178,541,276, C>A on the plus strand (G>T on the coding strand, the complement: TTN is on the minus strand). VCF-style: chr2-178541276-C-A. GRCh37 (hg19) VCF-style: chr2-179406003-C-A.
Other names: p.?; c.70600+6G>T (NM_003319.4); c.71176+6G>T (NM_133437.4); c.70975+6G>T (NM_133432.3); c.90091+6G>T (NM_133378.4); c.92872+6G>T (NM_001256850.1).
Identifiers: ClinVar variation 47590 (VCV000047590.32), dbSNP rs3731750, ClinGen allele CA284157.

ClinVar aggregate classification (germline): Benign. Review status: criteria provided, multiple submitters, no conflicts (2 of 4 stars). 20 submissions from 13 submitters: Benign (20). Last evaluated 2026-02-04.

Conditions:
Dilated cardiomyopathy 1G (CMD1G). Identifiers: Orphanet 154, MedGen C1858763, MONDO:0011400, OMIM 604145.
Autosomal recessive limb-girdle muscular dystrophy type 2J (LGMDR10). Also called: MUSCULAR DYSTROPHY, LIMB-GIRDLE, AUTOSOMAL RECESSIVE 10; Limb-girdle muscular dystrophy, type 2J. Identifiers: Orphanet 140922, MedGen C1837342, MONDO:0012127, OMIM 608807.
Early-onset myopathy with fatal cardiomyopathy (CMYO5). Also called: CONGENITAL MYOPATHY 5 WITH CARDIOMYOPATHY; Salih Myopathy. Identifiers: Orphanet 289377, MedGen C2673677, MONDO:0012714, OMIM 611705. Disease mechanism: loss of function.
Myopathy, myofibrillar, 9, with early respiratory failure (MFM9). Also called: Myopathy, distal, with early respiratory failure, autosomal dominant; Hereditary myopathy with early respiratory failure; MYOPATHY, PROXIMAL, WITH EARLY RESPIRATORY MUSCLE INVOLVEMENT; EDSTROM MYOPATHY. Identifiers: Orphanet 178464, Orphanet 34521, MedGen C1863599, MONDO:0011362, OMIM 603689.
Tibial muscular dystrophy (TMD). Also called: Udd Distal Myopathy – Tibial Muscular Dystrophy; Tibial muscular dystrophy, tardive; UDD MYOPATHY. Identifiers: Orphanet 609, MedGen C1838244, MONDO:0010870, OMIM 600334.

Allele frequency attached by ClinVar (database versions not stated): 1000 Genomes Project 30x 0.49922; ESP Exome Variant Server 0.30120; gnomAD 0.35771 and 0.35139; ExAC 0.38297; 1000 Genomes Project 0.50459; TOPMed 0.37192.
gnomAD v4.1: 399,322 of 1,484,278 alleles (27%); highest among the groups gnomAD compares: East Asian, 69%; 64,894 homozygotes.

Submissions (20):

Labcorp Genetics (formerly Invitae), Labcorp
Classification: Benign for Dilated cardiomyopathy 1G; Autosomal recessive limb-girdle muscular dystrophy type 2J. Last evaluated: 2026-02-04. Review status: criteria provided, single submitter. Criteria: Invitae Variant Classification Sherloc (09022015). Collection method: clinical testing. Allele origin: germline.

Molecular Diagnostic Laboratory for Inherited Cardiovascular Disease, Montreal Heart Institute
Classification: Benign. Last evaluated: 2025-04-09. Review status: criteria provided, single submitter. Criteria: ACMG Guidelines, 2015. Collection method: clinical testing. Allele origin: germline. Affected: no.

Genome-Nilou Lab
Classification: Benign for Autosomal recessive limb-girdle muscular dystrophy type 2J. Last evaluated: 2021-09-10. Review status: criteria provided, single submitter. Criteria: ACMG Guidelines, 2015. Collection method: clinical testing. Allele origin: germline. Affected: no.

Genome-Nilou Lab
Classification: Benign for Myopathy, myofibrillar, 9, with early respiratory failure. Last evaluated: 2021-09-10. Review status: criteria provided, single submitter. Criteria: ACMG Guidelines, 2015. Collection method: clinical testing. Allele origin: germline. Affected: no.

Genome-Nilou Lab
Classification: Benign for Early-onset myopathy with fatal cardiomyopathy. Last evaluated: 2021-09-10. Review status: criteria provided, single submitter. Criteria: ACMG Guidelines, 2015. Collection method: clinical testing. Allele origin: germline. Affected: no.

Genome-Nilou Lab
Classification: Benign for Tibial muscular dystrophy. Last evaluated: 2021-09-10. Review status: criteria provided, single submitter. Criteria: ACMG Guidelines, 2015. Collection method: clinical testing. Allele origin: germline. Affected: no.

Women's Health and Genetics/Laboratory Corporation of America, LabCorp
Classification: Benign. Last evaluated: 2019-08-19. Review status: criteria provided, single submitter. Criteria: LabCorp Variant Classification Summary - May 2015. Collection method: clinical testing. Allele origin: germline.

Athena Diagnostics
Classification: Benign. Last evaluated: 2018-11-02. Review status: criteria provided, single submitter. Criteria: Athena Diagnostics Criteria. Collection method: clinical testing. Allele origin: germline.

Illumina Laboratory Services, Illumina
Classification: Benign for Early-onset myopathy with fatal cardiomyopathy. Last evaluated: 2018-01-13. Review status: criteria provided, single submitter. Criteria: ICSL Variant Classification Criteria 13 December 2019. Collection method: clinical testing. Allele origin: germline.
Comment: This variant was observed in the ICSL laboratory as part of a predisposition screen in an ostensibly healthy population. It had not been previously curated by ICSL or reported in the Human Gene Mutation Database (HGMD: prior to June 1st, 2018), and was therefore a candidate for classification through an automated scoring system. Utilizing variant allele frequency, disease prevalence and penetrance estimates, and inheritance mode, an automated score was calculated to assess if this variant is too frequent to cause the disease. Based on the score and internal cut-off values, a variant classified as benign is not then subjected to further curation. The score for this variant resulted in a classification of benign for this disease.

Illumina Laboratory Services, Illumina
Classification: Benign for Tibial muscular dystrophy. Last evaluated: 2018-01-13. Review status: criteria provided, single submitter. Criteria: ICSL Variant Classification Criteria 13 December 2019. Collection method: clinical testing. Allele origin: germline.
Comment: the same text as in the submission from Illumina Laboratory Services, Illumina above.

Illumina Laboratory Services, Illumina
Classification: Benign for Dilated cardiomyopathy 1G. Last evaluated: 2018-01-13. Review status: criteria provided, single submitter. Criteria: ICSL Variant Classification Criteria 13 December 2019. Collection method: clinical testing. Allele origin: germline.
Comment: the same text as in the submission from Illumina Laboratory Services, Illumina above.

Illumina Laboratory Services, Illumina
Classification: Benign for Myopathy, myofibrillar, 9, with early respiratory failure. Last evaluated: 2018-01-13. Review status: criteria provided, single submitter. Criteria: ICSL Variant Classification Criteria 13 December 2019. Collection method: clinical testing. Allele origin: germline.
Comment: the same text as in the submission from Illumina Laboratory Services, Illumina above.

Illumina Laboratory Services, Illumina
Classification: Benign for Autosomal recessive limb-girdle muscular dystrophy type 2J. Last evaluated: 2018-01-13. Review status: criteria provided, single submitter. Criteria: ICSL Variant Classification Criteria 13 December 2019. Collection method: clinical testing. Allele origin: germline.
Comment: the same text as in the submission from Illumina Laboratory Services, Illumina above.

Mayo Clinic Laboratories, Mayo Clinic
Classification: Benign. Last evaluated: 2017-10-04. Review status: criteria provided, single submitter. Criteria: ACMG Guidelines, 2015. Collection method: clinical testing. Allele origin: germline. Observed: 1,156 variant alleles.

Eurofins Ntd Llc (ga)
Classification: Benign. Last evaluated: 2014-01-02. Review status: criteria provided, single submitter. Criteria: EGL Classification Definitions 2015. Collection method: clinical testing. Allele origin: germline. Observed: 2 variant alleles, 2 heterozygotes.

Genetic Services Laboratory, University of Chicago
Classification: Benign for AllHighlyPenetrant. Last evaluated: 2013-08-15. Review status: criteria provided, single submitter. Criteria: ACMG Guidelines, 2007. Collection method: clinical testing. Allele origin: germline.

GeneDx
Classification: Benign. Last evaluated: 2012-10-31. Review status: criteria provided, single submitter. Criteria: GeneDx Variant Classification (06012015). Collection method: clinical testing. Allele origin: germline. Affected: yes.
Comment: This variant is considered likely benign or benign based on one or more of the following criteria: it is a conservative change, it occurs at a poorly conserved position in the protein, it is predicted to be benign by multiple in silico algorithms, and/or has population frequency not consistent with disease.

Laboratory for Molecular Medicine, Mass General Brigham Personalized Medicine
Classification: Benign. Last evaluated: 2011-09-27. Review status: criteria provided, single submitter. Criteria: LMM Criteria. Collection method: clinical testing. Allele origin: germline. Observed: 936 variant alleles.

Breakthrough Genomics
Classification: Benign. Review status: criteria provided, single submitter. Criteria: ACMG Guidelines, 2015. Collection method: not provided. Allele origin: germline. Inheritance: Autosomal recessive inheritance. Affected: yes.

PreventionGenetics, part of Exact Sciences
Classification: Benign. Review status: criteria provided, single submitter. Criteria: ACMG Guidelines, 2015. Collection method: clinical testing. Allele origin: germline.